The following is an entry in ClinVar:

ClinVar aggregate classification (germline): Benign. Review status: criteria provided, multiple submitters, no conflicts (2 of 4 stars). 2 submissions from 2 submitters: Benign (2). Last evaluated 2018-03-06.

Conditions:
Thrombophilia due to protein S deficiency, autosomal dominant (THPH5). Identifiers: Orphanet 26349, Orphanet 743, MedGen C3278211, MONDO:0012868, OMIM 612336. Disease mechanism: loss of function.

Allele frequency attached by ClinVar (database versions not stated): 1000 Genomes Project 30x 0.75953; 1000 Genomes Project 0.76038; TOPMed 0.76644; gnomAD 0.79141.

Submissions (2):

Illumina Laboratory Services, Illumina
Classification: Benign for Thrombophilia due to protein S deficiency, autosomal dominant. Last evaluated: 2018-03-06. Review status: criteria provided, single submitter. Criteria: ICSL Variant Classification Criteria 13 December 2019. Collection method: clinical testing. Allele origin: germline.
Comment: This variant was observed in the ICSL laboratory as part of a predisposition screen in an ostensibly healthy population. It had not been previously curated by ICSL or reported in the Human Gene Mutation Database (HGMD: prior to June 1st, 2018), and was therefore a candidate for classification through an automated scoring system. Utilizing variant allele frequency, disease prevalence and penetrance estimates, and inheritance mode, an automated score was calculated to assess if this variant is too frequent to cause the disease. Based on the score and internal cut-off values, a variant classified as benign is not then subjected to further curation. The score for this variant resulted in a classification of benign for this disease.

Breakthrough Genomics
Classification: Benign. Review status: criteria provided, single submitter. Criteria: ACMG Guidelines, 2015. Collection method: not provided. Allele origin: germline. Inheritance: Autosomal recessive inheritance. Affected: yes.

NM_000313.4(PROS1):c.*520A>C

Gene: PROS1 (protein S; minus strand). Cytogenetic location: 3q11.1.
Variant type: single nucleotide variant.
Coding change: c.*520A>C on transcript NM_000313.4 (MANE Select); 520 bases downstream of the stop codon, A replaced by C.
Molecular consequence: 3 prime UTR variant.
Genome position (GRCh38, 1-based): chr3:93,873,725, T>G on the plus strand (A>C on the coding strand, the complement: PROS1 is on the minus strand). VCF-style: chr3-93873725-T-G. GRCh37 (hg19) VCF-style: chr3-93592569-T-G.
Other names: c.*520A>C (NM_001314077.2).
Identifiers: ClinVar variation 346871 (VCV000346871.6), dbSNP rs9681204, ClinGen allele CA10619695.
Genomic context (GRCh38, chr3:93,873,725, plus strand): 5'-TTCAATAAAGATACTGGTTTAAATGTGAAGCCACACAAGAGAAAGATGAAGCCAAAGCTG[T>G]TCCCCCTGAGGAATTGTTTTGAAATAAGGCATTAGGACCCTCCATTCAATTCATATTTAA-3'